The following is an entry in ClinVar:

NM_205836.3(FBXO38):c.781G>A (p.Ala261Thr)

Gene: FBXO38 (F-box protein 38; plus strand). Cytogenetic location: 5q32.
Variant type: single nucleotide variant.
Coding change: c.781G>A on transcript NM_205836.3 (MANE Select); coding-DNA position 781, G replaced by A.
Protein change: p.Ala261Thr; replaces alanine 261 with threonine.
Molecular consequence: missense variant.
Genome position (GRCh38, 1-based): chr5:148,406,307, G>A. VCF-style: chr5-148406307-G-A. GRCh37 (hg19) VCF-style: chr5-147785870-G-A.
Other names: c.781G>A, p.Ala261Thr (NM_001271723.2, NM_030793.5); short protein forms A261T.
Identifiers: ClinVar variation 473961 (VCV000473961.10), dbSNP rs760815624, ClinGen allele CA3497122.
Genomic context (GRCh38, chr5:148,406,307, plus strand): 5'-TTTTTTCCAGGACCCACAAATTCCTTGAAATATGTCCCTTTAGTAACAGGCTTAGCCTCT[G>A]CCCGAAACTTGGAACACTTAGAAATGGTTCGAGTTCCTTTCCTTGGAGGTCTTATCCAAC-3'
Protein context (NP_995308.1, residues 251-271): YVPLVTGLAS[Ala261Thr]RNLEHLEMVR

ClinVar aggregate classification (germline): Uncertain significance (1 of 4 stars; one submission).

Conditions:
Distal hereditary motor neuropathy type 2. Identifiers: Orphanet 139525, MedGen C3711384, MeSH C580044, MONDO:0015352.

Allele frequency attached by ClinVar (database versions not stated): TOPMed 0.00002; gnomAD 0.00005; ExAC 0.00012; gnomAD exomes 0.00012.

Submission:

Labcorp Genetics (formerly Invitae), Labcorp
Classification: Uncertain significance for Distal hereditary motor neuropathy type 2. Last evaluated: 2025-10-01. Review status: criteria provided, single submitter. Criteria: Invitae Variant Classification Sherloc (09022015). Collection method: clinical testing. Allele origin: germline.
Comment: This sequence change replaces alanine, which is neutral and non-polar, with threonine, which is neutral and polar, at codon 261 of the FBXO38 protein (p.Ala261Thr). This variant is present in population databases (rs760815624, gnomAD 0.07%), and has an allele count higher than expected for a pathogenic variant. This variant has not been reported in the literature in individuals affected with FBXO38-related conditions. ClinVar contains an entry for this variant (Variation ID: 473961). Invitae Evidence Modeling of protein sequence and biophysical properties (such as structural, functional, and spatial information, amino acid conservation, physicochemical variation, residue mobility, and thermodynamic stability) has been performed for this missense variant. However, the output from this modeling did not meet the statistical confidence thresholds required to predict the impact of this variant on FBXO38 protein function. In summary, the available evidence is currently insufficient to determine the role of this variant in disease. Therefore, it has been classified as a Variant of Uncertain Significance.